The following is an entry in ClinVar:

ClinVar aggregate classification (germline): Uncertain significance. Review status: criteria provided, multiple submitters, no conflicts (2 of 4 stars). 2 submissions from 2 submitters: Uncertain significance (2). Last evaluated 2025-01-30.

Conditions:
Hereditary cancer-predisposing syndrome. Also called: Hereditary Cancer Syndrome; Tumor predisposition; Hereditary neoplastic syndrome; Neoplastic Syndromes, Hereditary. Identifiers: Orphanet 140162, MedGen C0027672, MeSH D009386, MONDO:0015356.
Tuberous sclerosis 2 (TSC2). Identifiers: Orphanet 805, MedGen C1860707, MONDO:0013199, OMIM 613254.

Submissions (2):

Ambry Genetics
Classification: Uncertain significance for Hereditary cancer-predisposing syndrome. Last evaluated: 2025-01-30. Review status: criteria provided, single submitter. Criteria: Ambry Variant Classification Scheme 2023. Collection method: clinical testing. Allele origin: germline.
Comment: The p.E984K variant (also known as c.2950G>A), located in coding exon 25 of the TSC2 gene, results from a G to A substitution at nucleotide position 2950. The glutamic acid at codon 984 is replaced by lysine, an amino acid with similar properties. This amino acid position is conserved. In addition, this alteration is predicted to be deleterious by in silico analysis. Based on the available evidence, the clinical significance of this variant remains unclear.

Labcorp Genetics (formerly Invitae), Labcorp
Classification: Uncertain significance for Tuberous sclerosis 2. Last evaluated: 2022-10-18. Review status: criteria provided, single submitter. Criteria: Invitae Variant Classification Sherloc (09022015). Collection method: clinical testing. Allele origin: germline.
Comment: In summary, the available evidence is currently insufficient to determine the role of this variant in disease. Therefore, it has been classified as a Variant of Uncertain Significance. Advanced modeling of protein sequence and biophysical properties (such as structural, functional, and spatial information, amino acid conservation, physicochemical variation, residue mobility, and thermodynamic stability) performed at Invitae indicates that this missense variant is not expected to disrupt TSC2 protein function. This variant has not been reported in the literature in individuals affected with TSC2-related conditions. This sequence change replaces glutamic acid, which is acidic and polar, with lysine, which is basic and polar, at codon 984 of the TSC2 protein (p.Glu984Lys). This variant is not present in population databases (gnomAD no frequency).

NM_000548.5(TSC2):c.2950G>A (p.Glu984Lys)

Gene: TSC2 (TSC complex subunit 2; plus strand). Cytogenetic location: 16p13.3.
Variant type: single nucleotide variant.
Coding change: c.2950G>A on transcript NM_000548.5 (MANE Select); coding-DNA position 2950, G replaced by A.
Protein change: p.Glu984Lys; replaces glutamic acid 984 with lysine.
Molecular consequence: missense variant. On other transcripts: intron variant (31).
Genome position (GRCh38, 1-based): chr16:2,077,710, G>A. VCF-style: chr16-2077710-G-A. GRCh37 (hg19) VCF-style: chr16-2127711-G-A.
Other names: c.2950G>A, p.Glu984Lys (NM_001114382.3, NM_001406663.1, NM_001406664.1); c.2839G>A, p.Glu947Lys (NM_001406670.1); c.2803G>A, p.Glu935Lys (NM_001406675.1, NM_001406676.1); c.2350G>A, p.Glu784Lys (NM_001406680.1, NM_001406682.1, NM_001406683.1 and 1 more transcripts); c.1606G>A, p.Glu536Lys (NM_001406689.1); c.1493+1125G>A (NM_001406693.1, NM_001406690.1, NM_001406692.1 and 5 more transcripts); c.2927+1125G>A (NM_001406667.1, NM_001406668.1); c.2237+1125G>A (NM_001406687.1, NM_001406685.1, NM_001318831.2 and 2 more transcripts); and 8 more; short protein forms E935K, E784K, E947K, E536K, E984K.
Identifiers: ClinVar variation 2747225 (VCV002747225.4), dbSNP rs397515156, ClinGen allele CA394281508.